The following is an entry in ClinVar:

NM_182961.4(SYNE1):c.4436T>A (p.Met1479Lys)

Gene: SYNE1 (spectrin repeat containing nuclear envelope protein 1; minus strand). Cytogenetic location: 6q25.2.
Variant type: single nucleotide variant.
Coding change: c.4436T>A on transcript NM_182961.4 (MANE Select); coding-DNA position 4436, T replaced by A.
Protein change: p.Met1479Lys; replaces methionine 1479 with lysine.
Molecular consequence: missense variant.
Genome position (GRCh38, 1-based): chr6:152,433,820, A>T on the plus strand (T>A on the coding strand, the complement: SYNE1 is on the minus strand). VCF-style: chr6-152433820-A-T. GRCh37 (hg19) VCF-style: chr6-152754955-A-T.
Other names: c.4457T>A, p.Met1486Lys (NM_033071.5); short protein forms M1479K, M1486K.
Identifiers: ClinVar variation 1516638 (VCV001516638.6), dbSNP rs1218913029, ClinGen allele CA366143450.
Genomic context (GRCh38, chr6:152,433,820, plus strand): 5'-ACATGGATTATAAATATAATGTGTGAGCAGGTCACCTTAATTTGGCTGATTTGCATGTCC[A>T]TGGCAGATGACGAAGTTTCCAAGGCATTGAGTTCTTTTTCTTTCTCAGTTATCCAGACGG-3'
Protein context (NP_892006.3, residues 1469-1489): LNALETSSSA[Met1479Lys]DMQISQIKVT

ClinVar aggregate classification (germline): Uncertain significance (1 of 4 stars; one submission).

Conditions:
Emery-Dreifuss muscular dystrophy 4, autosomal dominant (EDMD4). Also called: EMERY-DREIFUSS MUSCULAR DYSTROPHY 4 WITH VARIABLE FEATURES. Identifiers: Orphanet 261, MedGen C2751807, MONDO:0013071, OMIM 612998.
Autosomal recessive ataxia, Beauce type. Also called: Spinocerebellar ataxia, autosomal recessive 8; ATAXIA, RECESSIVE, OF BEAUCE; SYNE1 Deficiency; SYNE1-Related Autosomal Recessive Cerebellar Ataxia. Identifiers: Orphanet 88644, MedGen C1853116, MONDO:0012549, OMIM 610743.

Allele frequency attached by ClinVar (database versions not stated): TOPMed below 0.00001; gnomAD exomes 0.00001.

Submission:

Labcorp Genetics (formerly Invitae), Labcorp
Classification: Uncertain significance for Emery-Dreifuss muscular dystrophy 4, autosomal dominant; Autosomal recessive ataxia, Beauce type. Last evaluated: 2021-09-15. Review status: criteria provided, single submitter. Criteria: Invitae Variant Classification Sherloc (09022015). Collection method: clinical testing. Allele origin: germline.
Comment: In summary, the available evidence is currently insufficient to determine the role of this variant in disease. Therefore, it has been classified as a Variant of Uncertain Significance. This sequence change replaces methionine with lysine at codon 1486 of the SYNE1 protein (p.Met1486Lys). The methionine residue is moderately conserved and there is a moderate physicochemical difference between methionine and lysine. This variant is not present in population databases (ExAC no frequency). This variant has not been reported in the literature in individuals affected with SYNE1-related conditions. Algorithms developed to predict the effect of missense changes on protein structure and function are either unavailable or do not agree on the potential impact of this missense change (SIFT: "Deleterious"; PolyPhen-2: "Benign"; Align-GVGD: "Class C0"). Algorithms developed to predict the effect of sequence changes on RNA splicing suggest that this variant may create or strengthen a splice site.